The following is an entry in ClinVar:

ClinVar aggregate classification (germline): Uncertain significance. Review status: criteria provided, multiple submitters, no conflicts (2 of 4 stars). 3 submissions from 3 submitters: Uncertain significance (2). 1 of the submissions does not count toward it. Last evaluated 2023-12-07.

Conditions:
Propionic acidemia (PROP). Also called: GLYCINEMIA, KETOTIC; HYPERGLYCINEMIA WITH KETOACIDOSIS AND LEUKOPENIA; KETOTIC HYPERGLYCINEMIA. Identifiers: Orphanet 35, MedGen C0268579, MONDO:0011628, OMIM 606054, HP:0003571.

Allele frequency attached by ClinVar (database versions not stated): gnomAD 0.00001; gnomAD exomes 0.00001 and 0.00002; ExAC 0.00002; TOPMed 0.00002.
gnomAD v4.1: 24 of 1,611,526 alleles (0.0015%); highest among the groups gnomAD compares: Non-Finnish European, 0.0014%; no homozygotes.

Submissions (3):

Labcorp Genetics (formerly Invitae), Labcorp
Classification: Uncertain significance for Propionic acidemia. Last evaluated: 2023-12-07. Review status: criteria provided, single submitter. Criteria: Invitae Variant Classification Sherloc (09022015). Collection method: clinical testing. Allele origin: germline.
Comment: This sequence change replaces lysine, which is basic and polar, with glutamic acid, which is acidic and polar, at codon 568 of the PCCA protein (p.Lys568Glu). This variant is present in population databases (rs755890592, gnomAD 0.009%). This variant has not been reported in the literature in individuals affected with PCCA-related conditions. ClinVar contains an entry for this variant (Variation ID: 882472). Advanced modeling of protein sequence and biophysical properties (such as structural, functional, and spatial information, amino acid conservation, physicochemical variation, residue mobility, and thermodynamic stability) performed at Invitae indicates that this missense variant is not expected to disrupt PCCA protein function with a negative predictive value of 95%. In summary, the available evidence is currently insufficient to determine the role of this variant in disease. Therefore, it has been classified as a Variant of Uncertain Significance.

Illumina Laboratory Services, Illumina
Classification: Uncertain significance for Propionic acidemia. Last evaluated: 2018-01-13. Review status: criteria provided, single submitter. Criteria: ICSL Variant Classification Criteria 13 December 2019. Collection method: clinical testing. Allele origin: germline.

Natera, Inc.
Classification: Uncertain significance for Propionic acidemia. Last evaluated: 2025-01-27. Review status: no assertion criteria provided. Collection method: clinical testing. Allele origin: germline. Not counted in ClinVar's aggregate classification.

NM_000282.4(PCCA):c.1702A>G (p.Lys568Glu)

Gene: PCCA (propionyl-CoA carboxylase subunit alpha; plus strand). Cytogenetic location: 13q32.3.
Variant type: single nucleotide variant.
Coding change: c.1702A>G on transcript NM_000282.4 (MANE Select); coding-DNA position 1702, A replaced by G.
Protein change: p.Lys568Glu; replaces lysine 568 with glutamic acid.
Molecular consequence: missense variant. On other transcripts: non-coding transcript variant (2).
Genome position (GRCh38, 1-based): chr13:100,368,530, A>G. VCF-style: chr13-100368530-A-G. GRCh37 (hg19) VCF-style: chr13-101020784-A-G.
Other names: c.1624A>G, p.Lys542Glu (NM_001127692.3, NM_001352607.2); c.1702A>G, p.Lys568Glu (NM_001178004.2, NM_001352605.2, NM_001352609.2); c.1558A>G, p.Lys520Glu (NM_001352606.2); c.1480A>G, p.Lys494Glu (NM_001352608.2); c.757A>G, p.Lys253Glu (NM_001352610.2, NM_001352611.2); c.613A>G, p.Lys205Glu (NM_001352612.2); short protein forms K253E, K542E, K494E, K520E, K568E, K205E.
Identifiers: ClinVar variation 882472 (VCV000882472.7), dbSNP rs755890592, ClinGen allele CA7033748.